The following is an entry in ClinVar:

NM_001122681.2(SH3BP2):c.1190C>T (p.Ala397Val)

Gene: SH3BP2 (SH3 domain binding protein 2; plus strand). Cytogenetic location: 4p16.3.
Variant type: single nucleotide variant.
Coding change: c.1190C>T on transcript NM_001122681.2 (MANE Select); coding-DNA position 1190, C replaced by T.
Protein change: p.Ala397Val; replaces alanine 397 with valine.
Molecular consequence: missense variant.
Genome position (GRCh38, 1-based): chr4:2,830,096, C>T. VCF-style: chr4-2830096-C-T. GRCh37 (hg19) VCF-style: chr4-2831823-C-T.
Other names: c.1190C>T, p.Ala397Val (LRG_1334t1, NM_003023.4); c.1274C>T, p.Ala425Val (LRG_1334t2, NM_001145855.2); c.1361C>T, p.Ala454Val (NM_001145856.2); short protein forms A397V, A425V, A454V.
Identifiers: ClinVar variation 525200 (VCV000525200.13), dbSNP rs527342066, ClinGen allele CA2819410.
Genomic context (GRCh38, chr4:2,830,096, plus strand): 5'-TTGTGCCCCCCGTGGCTCCCCGGCCTCCTGCGCTGAAGCTGCCAGTGCCTGAGGCCATGG[C>T]GCGGCCCGCAGTCCTGCCCAGGCCAGAGAAGCCGCAGCTCCCGCACCTCCAGTGAGTTTG-3'
Protein context (NP_001116153.1, residues 387-407): ALKLPVPEAM[Ala397Val]RPAVLPRPEK

ClinVar aggregate classification (germline): Conflicting classifications of pathogenicity. Review status: criteria provided, conflicting classifications (1 of 4 stars). 2 submissions from 2 submitters: Uncertain significance (1); Likely benign (1). Last evaluated 2024-12-24.

Conditions:
Fibrous dysplasia of jaw (CRBM). Also called: Cherubism. Identifiers: Orphanet 184, MedGen C0008029, MONDO:0007315, OMIM 118400.

Allele frequency attached by ClinVar (database versions not stated): TOPMed 0.00003; gnomAD exomes 0.00004 and 0.00005; gnomAD 0.00005; ExAC 0.00007; 1000 Genomes Project 30x 0.00016; 1000 Genomes Project 0.00020.
gnomAD v4.1: 70 of 1,607,234 alleles (0.0044%); highest among the groups gnomAD compares: African/African-American, 0.0053%; no homozygotes.

Submissions (4):

Labcorp Genetics (formerly Invitae), Labcorp
Classification: Uncertain significance for Fibrous dysplasia of jaw. Last evaluated: 2024-12-24. Review status: criteria provided, single submitter. Criteria: Invitae Variant Classification Sherloc (09022015). Collection method: clinical testing. Allele origin: germline.
Comment: This sequence change replaces alanine, which is neutral and non-polar, with valine, which is neutral and non-polar, at codon 397 of the SH3BP2 protein (p.Ala397Val). This variant is present in population databases (rs527342066, gnomAD 0.02%). This variant has not been reported in the literature in individuals affected with SH3BP2-related conditions. ClinVar contains an entry for this variant (Variation ID: 525200). Invitae Evidence Modeling of protein sequence and biophysical properties (such as structural, functional, and spatial information, amino acid conservation, physicochemical variation, residue mobility, and thermodynamic stability) indicates that this missense variant is not expected to disrupt SH3BP2 protein function with a negative predictive value of 95%. In summary, the available evidence is currently insufficient to determine the role of this variant in disease. Therefore, it has been classified as a Variant of Uncertain Significance.

Blueprint Genetics
Classification: Likely benign. Last evaluated: 2020-02-25. Review status: criteria provided, single submitter. Criteria: ACMG Guidelines, 2015. Collection method: clinical testing. Allele origin: germline.

Dr. Peter K. Rogan Lab, Western University
No classification provided (evidence only). Condition: Thyroid cancer, nonmedullary, 1. Review status: no classification provided. Collection method: in vitro. Allele origin: not applicable. Functional consequence: retained intron. Not counted in ClinVar's aggregate classification.

Dr. Peter K. Rogan Lab, Western University
No classification provided (evidence only). Condition: Ovarian serous cystadenocarcinoma. Review status: no classification provided. Collection method: in vitro. Allele origin: not applicable. Functional consequence: retained intron. Not counted in ClinVar's aggregate classification.